The following is an entry in ClinVar:

NM_006231.4(POLE):c.6136+5G>A

Gene: POLE (DNA polymerase epsilon, catalytic subunit; minus strand). Cytogenetic location: 12q24.33.
Variant type: single nucleotide variant.
Coding change: c.6136+5G>A on transcript NM_006231.4 (MANE Select); 5 bases into the intron after coding-DNA position 6136, G replaced by A.
Molecular consequence: intron variant.
Genome position (GRCh38, 1-based): chr12:132,632,659, C>T on the plus strand (G>A on the coding strand, the complement: POLE is on the minus strand). VCF-style: chr12-132632659-C-T. GRCh37 (hg19) VCF-style: chr12-133209245-C-T.
Identifiers: ClinVar variation 540769 (VCV000540769.9), dbSNP rs1555220949, ClinGen allele CA658798012.
Genomic context (GRCh38, chr12:132,632,659, plus strand): 5'-TGGCACACAGAGGAGTTAGGTCACTGGCACATGGCAGTGGCCTCAAAAGACAAAAGACTG[C>T]TCACCGGGAAGGGCTCCGACCGCCCCCTCGGCCTCCTGGGAGAGCTGGCTGGCCCCCCTC-3'

ClinVar aggregate classification (germline): Uncertain significance. Review status: criteria provided, multiple submitters, no conflicts (2 of 4 stars). 2 submissions from 2 submitters: Uncertain significance (2). Last evaluated 2024-11-04.

Conditions:
Hereditary cancer-predisposing syndrome. Also called: Neoplastic Syndromes, Hereditary; Hereditary Cancer Syndrome; Hereditary neoplastic syndrome; Tumor predisposition. Identifiers: Orphanet 140162, MedGen C0027672, MeSH D009386, MONDO:0015356.

Submissions (2):

Labcorp Genetics (formerly Invitae), Labcorp
Classification: Uncertain significance. Last evaluated: 2024-11-04. Review status: criteria provided, single submitter. Criteria: Invitae Variant Classification Sherloc (09022015). Collection method: clinical testing. Allele origin: germline.
Comment: This sequence change falls in intron 44 of the POLE gene. It does not directly change the encoded amino acid sequence of the POLE protein. It affects a nucleotide within the consensus splice site. This variant is not present in population databases (gnomAD no frequency). This variant has not been reported in the literature in individuals affected with POLE-related conditions. ClinVar contains an entry for this variant (Variation ID: 540769). Variants that disrupt the consensus splice site are a relatively common cause of aberrant splicing (PMID: 17576681, 9536098). Algorithms developed to predict the effect of sequence changes on RNA splicing suggest that this variant may disrupt the consensus splice site. In summary, the available evidence is currently insufficient to determine the role of this variant in disease. Therefore, it has been classified as a Variant of Uncertain Significance.

Ambry Genetics
Classification: Uncertain significance for Hereditary cancer-predisposing syndrome. Last evaluated: 2019-12-19. Review status: criteria provided, single submitter. Criteria: Ambry Variant Classification Scheme 2023. Collection method: clinical testing. Allele origin: germline.
Comment: The c.6136+5G>A intronic variant results from a G to A substitution 5 nucleotides after coding exon 44 in the POLE gene. This nucleotide position is highly conserved in available vertebrate species. Using the BDGP and ESEfinder splice site prediction tools, this alteration is predicted to weaken the efficiency of the native splice donor site; however, direct evidence is unavailable. Since supporting evidence is limited at this time, the clinical significance of this alteration remains unclear.

Literature cited by the submitters: PubMed 17576681 (cited by Labcorp Genetics (formerly Invitae), Labcorp); PubMed 9536098 (cited by Labcorp Genetics (formerly Invitae), Labcorp).